The following is an entry in ClinVar:

ClinVar aggregate classification (germline): Conflicting classifications of pathogenicity. Review status: criteria provided, conflicting classifications (1 of 4 stars). 2 submissions from 2 submitters: Likely pathogenic (1); Uncertain significance (1). Last evaluated 2017-04-13.

Conditions:
Early-infantile DEE. Also called: Early infantile epileptic encephalopathy with suppression bursts; Early infantile epileptic encephalopathy; Ohtahara syndrome. Identifiers: Orphanet 1934, MedGen C0393706, MONDO:0800491.
Inborn genetic diseases. Identifiers: MedGen C0950123, MeSH D030342.

Submissions (2):

Ambry Genetics
Classification: Uncertain significance for Inborn genetic diseases. Last evaluated: 2017-04-13. Review status: criteria provided, single submitter. Criteria: Ambry exome assertion method (8-5-2015). Collection method: clinical testing. Allele origin: germline. Affected: yes. Observed: 1 variant allele.

Labcorp Genetics (formerly Invitae), Labcorp
Classification: Likely pathogenic for Early-infantile DEE. Last evaluated: 2017-04-11. Review status: criteria provided, single submitter. Criteria: Invitae Variant Classification Sherloc (09022015). Collection method: clinical testing. Allele origin: germline.
Comment: This sequence change replaces glutamine with proline at codon 417 of the SCN8A protein (p.Gln417Pro). The glutamine residue is highly conserved and there is a moderate physicochemical difference between glutamine and proline. This evidence indicates that the variant is pathogenic, but additional data is needed to prove that conclusively. Therefore, this variant has been classified as Likely Pathogenic. Algorithms developed to predict the effect of missense changes on protein structure and function do not agree on the potential impact of this missense change (SIFT: "Deleterious"; PolyPhen-2: "Probably Damaging"; Align-GVGD: "Class C0"). This variant is not present in population databases (ExAC no frequency) and has not been reported in the literature in individuals with a SCN8A-related disease.

NM_001330260.2(SCN8A):c.1250A>C (p.Gln417Pro)

Gene: SCN8A (sodium voltage-gated channel alpha subunit 8; plus strand). Cytogenetic location: 12q13.13.
Variant type: single nucleotide variant.
Coding change: c.1250A>C on transcript NM_001330260.2 (MANE Select); coding-DNA position 1250, A replaced by C.
Protein change: p.Gln417Pro; replaces glutamine 417 with proline.
Molecular consequence: missense variant.
Genome position (GRCh38, 1-based): chr12:51,705,532, A>C. VCF-style: chr12-51705532-A-C. GRCh37 (hg19) VCF-style: chr12-52099316-A-C.
Other names: c.1250A>C, p.Gln417Pro (NM_001177984.3, NM_001369788.1, NM_014191.4); short protein forms Q417P.
Identifiers: ClinVar variation 240884 (VCV000240884.12), dbSNP rs878854973, ClinGen allele CA10583047.